The following is an entry in ClinVar:

NM_000540.3(RYR1):c.7888G>C (p.Val2630Leu)

Gene: RYR1 (ryanodine receptor 1; plus strand). Cytogenetic location: 19q13.2.
Variant type: single nucleotide variant.
Coding change: c.7888G>C on transcript NM_000540.3 (MANE Select); coding-DNA position 7888, G replaced by C.
Protein change: p.Val2630Leu; replaces valine 2630 with leucine.
Molecular consequence: missense variant.
Genome position (GRCh38, 1-based): chr19:38,502,932, G>C. VCF-style: chr19-38502932-G-C. GRCh37 (hg19) VCF-style: chr19-38993572-G-C.
Other names: c.7888G>C, p.Val2630Leu (NM_001042723.2); short protein forms V2630L.
Identifiers: ClinVar variation 133215 (VCV000133215.14), dbSNP rs193922825, ClinGen allele CA024872.

ClinVar aggregate classification (germline): Uncertain significance. Review status: criteria provided, multiple submitters, no conflicts (2 of 4 stars). 6 submissions from 6 submitters: Uncertain significance (5). 1 of the submissions does not count toward it. Last evaluated 2025-07-27.

Conditions:
RYR1-related disorder. Also called: RYR1-related disorders; RYR1-related condition. Identifiers: MedGen CN239331.
Congenital multicore myopathy with external ophthalmoplegia (CMYO1B). Also called: MULTICORE MYOPATHY; Minicore myopathy with external ophthalmoplegia; Congenital myopathy 1B, autosomal recessive; Minicore myopathy; MULTIMINICORE DISEASE WITH EXTERNAL OPHTHALMOPLEGIA. Identifiers: Orphanet 598, Orphanet 98905, MedGen C1850674, MONDO:0009712, OMIM 255320, HP:0003789.
King Denborough syndrome (KDS). Identifiers: MedGen C1840365, MONDO:0020485, OMIM 619542.
Central core myopathy (CMYO1A). Also called: Central core disease; Myopathy, central fibrillar; CONGENITAL MYOPATHY 1A, AUTOSOMAL DOMINANT, WITH SUSCEPTIBILITY TO MALIGNANT HYPERTHERMIA. Identifiers: Orphanet 597, MedGen C5830701, MONDO:0007294, OMIM 117000.
Congenital myopathy with fiber type disproportion. Also called: Congenital fiber-type disproportion myopathy; Congenital fiber-type disproportion. Identifiers: Orphanet 2020, MedGen C0546264, MONDO:0009711. Inheritance: all.
Malignant hyperthermia, susceptibility to, 1 (MHS1). Also called: RYR1-Related Malignant Hyperthermia Susceptibility; Malignant hyperthermia suceptibility 1; Anesthesia related hyperthermia; Malignant hyperpyrexia; Fulminating hyperpyrexia; Pharmacogenic myopathy. Identifiers: Orphanet 423, MedGen C2930980, MONDO:0007783, OMIM 145600.

Allele frequency attached by ClinVar (database versions not stated): TOPMed 0.00007.
gnomAD v4.1: 42 of 1,611,268 alleles (0.0026%); highest among the groups gnomAD compares: Admixed American, 0.037%; no homozygotes.

Submissions (6):

Labcorp Genetics (formerly Invitae), Labcorp
Classification: Uncertain significance for RYR1-related disorder. Last evaluated: 2025-07-27. Review status: criteria provided, single submitter. Criteria: Invitae Variant Classification Sherloc (09022015). Collection method: clinical testing. Allele origin: germline.
Comment: This sequence change replaces valine, which is neutral and non-polar, with leucine, which is neutral and non-polar, at codon 2630 of the RYR1 protein (p.Val2630Leu). This variant is present in population databases (rs193922825, gnomAD 0.01%). This variant has not been reported in the literature in individuals affected with RYR1-related conditions. ClinVar contains an entry for this variant (Variation ID: 133215). Invitae Evidence Modeling of protein sequence and biophysical properties (such as structural, functional, and spatial information, amino acid conservation, physicochemical variation, residue mobility, and thermodynamic stability) indicates that this missense variant is expected to disrupt RYR1 protein function with a positive predictive value of 80%. In summary, the available evidence is currently insufficient to determine the role of this variant in disease. Therefore, it has been classified as a Variant of Uncertain Significance.

Color Diagnostics, LLC DBA Color Health
Classification: Uncertain significance for Malignant hyperthermia, susceptibility to, 1. Last evaluated: 2025-05-20. Review status: criteria provided, single submitter. Criteria: ACMG Guidelines, 2015. Collection method: clinical testing. Allele origin: germline.
Comment: This missense variant replaces valine with leucine at codon 2630 of the RYR1 protein. Computational prediction suggests that this variant may have deleterious impact on protein structure and function. To our knowledge, functional studies have not been reported for this variant. This variant has not been reported in individuals affected with RYR1-related disorders in the literature. This variant has been identified in 7/249390 chromosomes in the general population by the Genome Aggregation Database (gnomAD). The available evidence is insufficient to determine the role of this variant in disease conclusively. Therefore, this variant is classified as a Variant of Uncertain Significance.

Revvity Omics, Revvity
Classification: Uncertain significance. Last evaluated: 2024-01-18. Review status: criteria provided, single submitter. Criteria: ACMG Guidelines, 2015. Collection method: clinical testing. Allele origin: germline.

All of Us Research Program, National Institutes of Health
Classification: Uncertain significance for Malignant hyperthermia, susceptibility to, 1. Last evaluated: 2023-09-17. Review status: criteria provided, single submitter. Criteria: ACMG Guidelines, 2015. Collection method: clinical testing. Allele origin: germline. Inheritance: Autosomal dominant inheritance. Observed: 1 variant allele, 1 heterozygote.
Comment: This missense variant replaces valine with leucine at codon 2630 of the RYR1 protein. Computational prediction suggests that this variant may have deleterious impact on protein structure and function (internally defined REVEL score threshold >= 0.7, PMID: 27666373). To our knowledge, functional studies have not been reported for this variant. This variant has not been reported in individuals affected with RYR1-related disorders in the literature. This variant has been identified in 7/249390 chromosomes in the general population by the Genome Aggregation Database (gnomAD). The available evidence is insufficient to determine the role of this variant in disease conclusively. Therefore, this variant is classified as a Variant of Uncertain Significance.

This study involves interpretation of variants in research participants for the purpose of population health screening. Participant phenotype was not available at the time of variant classification. Additional details can be found in publication PMID: 35346344, PMCID: PMC8962531

Fulgent Genetics
Classification: Uncertain significance for Central core myopathy; Malignant hyperthermia, susceptibility to, 1; Congenital myopathy 4A, autosomal dominant; Congenital multicore myopathy with external ophthalmoplegia; King Denborough syndrome. Last evaluated: 2021-07-23. Review status: criteria provided, single submitter. Criteria: ACMG Guidelines, 2015. Collection method: clinical testing. Allele origin: unknown.

RYR1 database
No classification provided. Review status: no classification provided. Collection method: not provided. Allele origin: unknown. Not counted in ClinVar's aggregate classification.